The following is an entry in ClinVar:

ClinVar aggregate classification (germline): Uncertain significance. Review status: criteria provided, multiple submitters, no conflicts (2 of 4 stars). 2 submissions from 2 submitters: Uncertain significance (2). Last evaluated 2023-09-14.

Conditions:
Inborn genetic diseases. Identifiers: MedGen C0950123, MeSH D030342.
UBTF-related disorder. Also called: UBTF-related condition.

Allele frequency attached by ClinVar (database versions not stated): TOPMed below 0.00001; gnomAD 0.00001.
gnomAD v4.1: 8 of 1,614,190 alleles (0.0005%); highest among the groups gnomAD compares: South Asian, 0.0033%; no homozygotes.

Submissions (2):

Ambry Genetics
Classification: Uncertain significance for Inborn genetic diseases. Last evaluated: 2023-09-14. Review status: criteria provided, single submitter. Criteria: Ambry Variant Classification Scheme 2023. Collection method: clinical testing. Allele origin: germline.

PreventionGenetics, part of Exact Sciences
Classification: Uncertain significance for UBTF-related condition. Last evaluated: 2023-04-17. Review status: criteria provided, single submitter. Criteria: ACMG Guidelines, 2015. Collection method: clinical testing. Allele origin: germline.
Comment: The UBTF c.1989C>G variant is predicted to result in the amino acid substitution p.Asn663Lys. To our knowledge, this variant has not been reported in the literature or in a large population database, indicating this variant is rare. At this time, the clinical significance of this variant is uncertain due to the absence of conclusive functional and genetic evidence.

NM_014233.4(UBTF):c.1989C>G (p.Asn663Lys)

Genes: ATXN7L3-AS1 (ATXN7L3 antisense RNA 1; plus strand), UBTF (upstream binding transcription factor; minus strand). Cytogenetic location: 17q21.31.
Variant type: single nucleotide variant.
Coding change: c.1989C>G on transcript NM_014233.4 (MANE Select); coding-DNA position 1989, C replaced by G.
Protein change: p.Asn663Lys; replaces asparagine 663 with lysine.
Molecular consequence: missense variant. On other transcripts: non-coding transcript variant (1).
Genome position (GRCh38, 1-based): chr17:44,207,735, G>C on the plus strand (C>G on the coding strand, the complement: UBTF is on the minus strand). VCF-style: chr17-44207735-G-C. GRCh37 (hg19) VCF-style: chr17-42285103-G-C.
Other names: c.1878C>G, p.Asn626Lys (NM_001076683.2, NM_001076684.3); short protein forms N663K, N626K.
Identifiers: ClinVar variation 2589109 (VCV002589109.3), dbSNP rs2056351035, ClinGen allele CA399754831.